The following is an entry in ClinVar:

ClinVar aggregate classification (germline): Conflicting classifications of pathogenicity. Review status: criteria provided, conflicting classifications (1 of 4 stars). 2 submissions from 2 submitters: Uncertain significance (1); Likely benign (1). Last evaluated 2024-09-04.

Conditions:
Hereditary nonpolyposis colorectal neoplasms. Identifiers: MedGen C0009405, MeSH D003123.
Hereditary cancer-predisposing syndrome. Also called: Hereditary Cancer Syndrome; Neoplastic Syndromes, Hereditary; Tumor predisposition; Hereditary neoplastic syndrome. Identifiers: Orphanet 140162, MedGen C0027672, MeSH D009386, MONDO:0015356.

Allele frequency attached by ClinVar (database versions not stated): gnomAD exomes below 0.00001.
gnomAD v4.1: 1 of 1,614,134 alleles (0.000062%); highest among the groups gnomAD compares: Non-Finnish European, 0.000085%; no homozygotes.

Submissions (2):

Labcorp Genetics (formerly Invitae), Labcorp
Classification: Likely benign for Hereditary nonpolyposis colorectal neoplasms. Last evaluated: 2024-09-04. Review status: criteria provided, single submitter. Criteria: Invitae Variant Classification Sherloc (09022015). Collection method: clinical testing. Allele origin: germline.

Ambry Genetics
Classification: Uncertain significance for Hereditary cancer-predisposing syndrome. Last evaluated: 2017-05-22. Review status: criteria provided, single submitter. Criteria: Ambry Variant Classification Scheme 2023. Collection method: clinical testing. Allele origin: germline.
Comment: The p.N1273H variant (also known as c.3817A>C), located in coding exon 9 of the MSH6 gene, results from an A to C substitution at nucleotide position 3817. The asparagine at codon 1273 is replaced by histidine, an amino acid with similar properties. This amino acid position is highly conserved in available vertebrate species. In addition, the in silico prediction for this alteration is inconclusive. In addition, the CoDP in silico tool predicts this alteration to have minor impact on molecular function, with a score of 0.008 (Terui H et al. J. Biomed. Sci. 2013 Apr;20:25). Since supporting evidence is limited at this time, the clinical significance of this alteration remains unclear.

NM_000179.3(MSH6):c.3817A>C (p.Asn1273His)

Gene: MSH6 (mutS homolog 6; plus strand). Cytogenetic location: 2p16.3.
Variant type: single nucleotide variant.
Coding change: c.3817A>C on transcript NM_000179.3 (MANE Select); coding-DNA position 3817, A replaced by C.
Protein change: p.Asn1273His; replaces asparagine 1273 with histidine.
Molecular consequence: missense variant.
Genome position (GRCh38, 1-based): chr2:47,806,467, A>C. VCF-style: chr2-47806467-A-C. GRCh37 (hg19) VCF-style: chr2-48033606-A-C.
Other names: c.3427A>C, p.Asn1143His (NM_001281492.2); c.2911A>C, p.Asn971His (NM_001281493.2, NM_001281494.2); short protein forms N1273H, N1143H, N971H.
Identifiers: ClinVar variation 479968 (VCV000479968.8), dbSNP rs1320711528, ClinGen allele CA346761241.